The following is an entry in ClinVar:

ClinVar aggregate classification (germline): Uncertain significance (1 of 4 stars; one submission).

Conditions:
Gastrointestinal stromal tumor. Also called: Gastrointestinal stromal tumor, somatic; Gastrointestinal stroma tumor. Identifiers: Orphanet 44890, MedGen C0238198, MeSH D046152, MONDO:0011719, OMIM 606764, HP:0100723.

Submission:

Labcorp Genetics (formerly Invitae), Labcorp
Classification: Uncertain significance for Gastrointestinal stromal tumor. Last evaluated: 2018-11-19. Review status: criteria provided, single submitter. Criteria: Invitae Variant Classification Sherloc (09022015). Collection method: clinical testing. Allele origin: germline.
Comment: In summary, the available evidence is currently insufficient to determine the role of this variant in disease. Therefore, it has been classified as a Variant of Uncertain Significance. Algorithms developed to predict the effect of missense changes on protein structure and function (SIFT, PolyPhen-2, Align-GVGD) all suggest that this variant is likely to be disruptive, but these predictions have not been confirmed by published functional studies and their clinical significance is uncertain. This variant has not been reported in the literature in individuals with KIT-related disease. This variant is not present in population databases (ExAC no frequency). This sequence change replaces alanine with threonine at codon 606 of the KIT protein (p.Ala606Thr). The alanine residue is highly conserved and there is a small physicochemical difference between alanine and threonine.

NM_000222.3(KIT):c.1816G>A (p.Ala606Thr)

Gene: KIT (KIT proto-oncogene, receptor tyrosine kinase; plus strand). Cytogenetic location: 4q12.
Variant type: single nucleotide variant.
Coding change: c.1816G>A on transcript NM_000222.3 (MANE Select); coding-DNA position 1816, G replaced by A.
Protein change: p.Ala606Thr; replaces alanine 606 with threonine.
Molecular consequence: missense variant.
Genome position (GRCh38, 1-based): chr4:54,727,864, G>A. VCF-style: chr4-54727864-G-A. GRCh37 (hg19) VCF-style: chr4-55594030-G-A.
Other names: c.1804G>A, p.Ala602Thr (NM_001093772.2, NM_001385286.1); c.1819G>A, p.Ala607Thr (NM_001385284.1, NM_001385290.1); c.1816G>A, p.Ala606Thr (NM_001385285.1); c.1807G>A, p.Ala603Thr (NM_001385288.1, NM_001385292.1); short protein forms A602T, A606T, A603T, A607T.
Identifiers: ClinVar variation 654437 (VCV000654437.9), dbSNP rs1577995854, ClinGen allele CA356908000.